The following is an entry in ClinVar:

ClinVar aggregate classification (germline): Conflicting classifications of pathogenicity. Review status: criteria provided, conflicting classifications (1 of 4 stars). 5 submissions from 5 submitters: Uncertain significance (4); Benign (1). Last evaluated 2026-03-04.

Conditions:
Cardiovascular phenotype. Identifiers: MedGen CN230736.
Arrhythmogenic cardiomyopathy with wooly hair and keratoderma. Also called: PALMOPLANTAR KERATODERMA WITH LEFT VENTRICULAR CARDIOMYOPATHY AND WOOLLY HAIR; Carvajal syndrome; Dilated cardiomyopathy with woolly hair and keratoderma; Arrhythmogenic cardiomyopathy with woolly hair and keratoderma. Identifiers: Orphanet 65282, MedGen C1854063, MONDO:0011581, OMIM 605676.
Arrhythmogenic right ventricular dysplasia 8 (ARVD8). Also called: Arrhythmogenic Right Ventricular Dysplasia/Cardiomyopathy 8; ARRHYTHMOGENIC RIGHT VENTRICULAR CARDIOMYOPATHY 8; ARRHYTHMOGENIC RIGHT VENTRICULAR DYSPLASIA, FAMILIAL, 8. Identifiers: MedGen C1843896, MONDO:0011831, OMIM 607450.
DSP-related disorder. Also called: DSP-related condition; DSP-related disorders.
Cardiomyopathy (CMYO). Also called: Cardiomyopathies. Identifiers: Orphanet 167848, MedGen C0878544, MONDO:0004994, HP:0001638. Inheritance: Various modes of inheritance.

Allele frequency attached by ClinVar (database versions not stated): gnomAD exomes 0.00001 and 0.00002; ExAC 0.00003; gnomAD 0.00007 and 0.00009; TOPMed 0.00007; ESP Exome Variant Server 0.00015.
gnomAD v4.1: 18 of 1,613,954 alleles (0.0011%); highest among the groups gnomAD compares: African/African-American, 0.021%; no homozygotes.

Submissions (5):

PreventionGenetics, part of Exact Sciences
Classification: Uncertain significance for DSP-related condition. Last evaluated: 2026-03-04. Review status: criteria provided, single submitter. Criteria: ACMG Guidelines, 2015. Collection method: clinical testing. Allele origin: germline.
Comment: The DSP c.7852C>T variant is predicted to result in the amino acid substitution p.Pro2618Ser. To our knowledge, this variant has not been reported in the literature. This variant is reported in 0.024% of alleles in individuals of African descent in gnomAD. At this time, the clinical significance of this variant is uncertain due to the absence of conclusive functional and genetic evidence.

Labcorp Genetics (formerly Invitae), Labcorp
Classification: Benign for Arrhythmogenic cardiomyopathy with wooly hair and keratoderma; Arrhythmogenic right ventricular dysplasia 8. Last evaluated: 2026-01-06. Review status: criteria provided, single submitter. Criteria: Invitae Variant Classification Sherloc (09022015). Collection method: clinical testing. Allele origin: germline.

Ambry Genetics
Classification: Uncertain significance for Cardiovascular phenotype. Last evaluated: 2025-07-22. Review status: criteria provided, single submitter. Criteria: Ambry Variant Classification Scheme 2023. Collection method: clinical testing. Allele origin: germline.
Comment: The p.P2618S variant (also known as c.7852C>T), located in coding exon 24 of the DSP gene, results from a C to T substitution at nucleotide position 7852. The proline at codon 2618 is replaced by serine, an amino acid with similar properties. This amino acid position is highly conserved in available vertebrate species. In addition, the in silico prediction for this alteration is inconclusive. Since supporting evidence is limited at this time, the clinical significance of this alteration remains unclear.

All of Us Research Program, National Institutes of Health
Classification: Uncertain significance for Arrhythmogenic cardiomyopathy with wooly hair and keratoderma. Last evaluated: 2024-07-10. Review status: criteria provided, single submitter. Criteria: ACMG Guidelines, 2015. Collection method: clinical testing. Allele origin: germline. Inheritance: Autosomal dominant inheritance. Observed: 6 variant alleles, 6 heterozygotes.
Comment: This missense variant replaces proline with serine at codon 2618 of the DSP protein. Computational prediction suggests that this variant may not impact protein structure and function (internally defined REVEL score threshold <= 0.5, PMID: 27666373). To our knowledge, functional studies have not been reported for this variant. This variant has not been reported in individuals affected with cardiovascular disorders in the literature. This variant has been identified in 7/282274 chromosomes in the general population by the Genome Aggregation Database (gnomAD). The available evidence is insufficient to determine the role of this variant in disease conclusively. Therefore, this variant is classified as a Variant of Uncertain Significance.

This study involves interpretation of variants in research participants for the purpose of population health screening. Participant phenotype was not available at the time of variant classification. Additional details can be found in publication PMID: 35346344, PMCID: PMC8962531

Color Diagnostics, LLC DBA Color Health
Classification: Uncertain significance for Cardiomyopathy. Last evaluated: 2024-03-06. Review status: criteria provided, single submitter. Criteria: ACMG Guidelines, 2015. Collection method: clinical testing. Allele origin: germline.
Comment: This missense variant replaces proline with serine at codon 2618 of the DSP protein. Computational prediction suggests that this variant may not impact protein structure and function (internally defined REVEL score threshold <= 0.5, PMID: 27666373). To our knowledge, functional studies have not been reported for this variant. This variant has not been reported in individuals affected with cardiovascular disorders in the literature. This variant has been identified in 7/282274 chromosomes in the general population by the Genome Aggregation Database (gnomAD). The available evidence is insufficient to determine the role of this variant in disease conclusively. Therefore, this variant is classified as a Variant of Uncertain Significance.

NM_004415.4(DSP):c.7852C>T (p.Pro2618Ser)

Gene: DSP (desmoplakin; plus strand). Cytogenetic location: 6p24.3.
Variant type: single nucleotide variant.
Coding change: c.7852C>T on transcript NM_004415.4 (MANE Select); coding-DNA position 7852, C replaced by T.
Protein change: p.Pro2618Ser; replaces proline 2618 with serine.
Molecular consequence: missense variant.
Genome position (GRCh38, 1-based): chr6:7,585,114, C>T. VCF-style: chr6-7585114-C-T. GRCh37 (hg19) VCF-style: chr6-7585347-C-T.
Other names: c.6055C>T, p.Pro2019Ser (NM_001008844.3); c.6523C>T, p.Pro2175Ser (NM_001319034.2); c.7852C>T (NM_004415.3); short protein forms P2019S, P2175S, P2618S.
Identifiers: ClinVar variation 928377 (VCV000928377.20), dbSNP rs376005629, ClinGen allele CA050995.